The following is an entry in ClinVar:

ClinVar aggregate classification (germline): Uncertain significance (1 of 4 stars; one submission).

Conditions:
Glucose-6-phosphate transport defect (GSD1B). Also called: Glycogen Storage Disease Type Ib; GSD Ib. Identifiers: Orphanet 364, Orphanet 79259, MedGen C0268146, MONDO:0009288, OMIM 232220.

Submission:

Labcorp Genetics (formerly Invitae), Labcorp
Classification: Uncertain significance for Glucose-6-phosphate transport defect. Last evaluated: 2025-11-25. Review status: criteria provided, single submitter. Criteria: Invitae Variant Classification Sherloc (09022015). Collection method: clinical testing. Allele origin: germline.
Comment: This sequence change replaces aspartic acid, which is acidic and polar, with tyrosine, which is neutral and polar, at codon 245 of the SLC37A4 protein (p.Asp245Tyr). This variant is not present in population databases (gnomAD no frequency). This variant has not been reported in the literature in individuals affected with SLC37A4-related conditions. Invitae Evidence Modeling of protein sequence and biophysical properties (such as structural, functional, and spatial information, amino acid conservation, physicochemical variation, residue mobility, and thermodynamic stability) indicates that this missense variant is expected to disrupt SLC37A4 protein function with a positive predictive value of 80%. In summary, the available evidence is currently insufficient to determine the role of this variant in disease. Therefore, it has been classified as a Variant of Uncertain Significance.

NM_001164277.2(SLC37A4):c.733G>T (p.Asp245Tyr)

Gene: SLC37A4 (solute carrier family 37 member 4; minus strand). Cytogenetic location: 11q23.3.
Variant type: single nucleotide variant.
Coding change: c.733G>T on transcript NM_001164277.2 (MANE Select); coding-DNA position 733, G replaced by T.
Protein change: p.Asp245Tyr; replaces aspartic acid 245 with tyrosine.
Molecular consequence: missense variant.
Genome position (GRCh38, 1-based): chr11:119,026,988, C>A on the plus strand (G>T on the coding strand, the complement: SLC37A4 is on the minus strand). VCF-style: chr11-119026988-C-A. GRCh37 (hg19) VCF-style: chr11-118897698-C-A.
Other names: c.733G>T, p.Asp245Tyr (NM_001164278.2, NM_001164280.2, NM_001467.6); c.514G>T, p.Asp172Tyr (NM_001164279.2); short protein forms D172Y, D245Y.
Identifiers: ClinVar variation 4776232 (VCV004776232.1).